The following is an entry in ClinVar:

NM_004187.5(KDM5C):c.2632G>T (p.Glu878Ter)

Gene: KDM5C (lysine demethylase 5C; minus strand). Cytogenetic location: Xp11.22.
Variant type: single nucleotide variant.
Coding change: c.2632G>T on transcript NM_004187.5 (MANE Select); coding-DNA position 2632, G replaced by T.
Protein change: p.Glu878Ter; replaces glutamic acid 878 with a stop codon.
Molecular consequence: nonsense. On other transcripts: non-coding transcript variant (3).
Genome position (GRCh38, 1-based): chrX:53,197,035, C>A on the plus strand (G>T on the coding strand, the complement: KDM5C is on the minus strand). VCF-style: chrX-53197035-C-A. GRCh37 (hg19) VCF-style: chrX-53226217-C-A.
Other names: c.2431G>T, p.Glu811Ter (NM_001146702.2); c.2629G>T, p.Glu877Ter (NM_001282622.3, NM_001353979.2, NM_001353982.2); c.2632G>T, p.Glu878Ter (NM_001353978.3, NM_001353981.2, NM_001353984.2); short protein forms E878*, E811*, E877*.
Identifiers: ClinVar variation 3863520 (VCV003863520.1).

ClinVar aggregate classification (germline): Likely pathogenic (1 of 4 stars; one submission).

Conditions:
Inborn genetic diseases. Identifiers: MedGen C0950123, MeSH D030342.

Submission:

Ambry Genetics
Classification: Likely pathogenic for Inborn genetic diseases. Last evaluated: 2025-01-06. Review status: criteria provided, single submitter. Criteria: Ambry Variant Classification Scheme 2023. Collection method: clinical testing. Allele origin: germline.
Comment: The c.2632G>T (p.E878*) alteration, located in exon 19 (coding exon 19) of the KDM5C gene, consists of a G to T substitution at nucleotide position 2632. This changes the amino acid from a glutamic acid (E) to a stop codon at amino acid position 878. This alteration is expected to result in loss of function by premature protein truncation or nonsense-mediated mRNA decay. This variant was not reported in population-based cohorts in the Genome Aggregation Database (gnomAD). In silico splice site analysis predicts that this alteration may result in the creation or strengthening of a novel splice acceptor site that leads to an in-frame deletion of 5 amino acids (r.2624_2638del p.G875_Q879del), although direct evidence is unavailable. Based on the available evidence, this alteration is classified as likely pathogenic.